The following is an entry in ClinVar:

NM_182961.4(SYNE1):c.9040C>T (p.Pro3014Ser)

Gene: SYNE1 (spectrin repeat containing nuclear envelope protein 1; minus strand). Cytogenetic location: 6q25.2.
Variant type: single nucleotide variant.
Coding change: c.9040C>T on transcript NM_182961.4 (MANE Select); coding-DNA position 9040, C replaced by T.
Protein change: p.Pro3014Ser; replaces proline 3014 with serine.
Molecular consequence: missense variant.
Genome position (GRCh38, 1-based): chr6:152,376,882, G>A on the plus strand (C>T on the coding strand, the complement: SYNE1 is on the minus strand). VCF-style: chr6-152376882-G-A. GRCh37 (hg19) VCF-style: chr6-152698017-G-A.
Other names: c.9061C>T, p.Pro3021Ser (NM_033071.5); short protein forms P3014S, P3021S.
Identifiers: ClinVar variation 538387 (VCV000538387.10), dbSNP rs200939886, ClinGen allele CA150227397.

ClinVar aggregate classification (germline): Uncertain significance. Review status: criteria provided, multiple submitters, no conflicts (2 of 4 stars). 2 submissions from 2 submitters: Uncertain significance (2). Last evaluated 2026-01-19.

Conditions:
Emery-Dreifuss muscular dystrophy 4, autosomal dominant (EDMD4). Also called: EMERY-DREIFUSS MUSCULAR DYSTROPHY 4 WITH VARIABLE FEATURES. Identifiers: Orphanet 261, MedGen C2751807, MONDO:0013071, OMIM 612998.
Autosomal recessive ataxia, Beauce type. Also called: Spinocerebellar ataxia, autosomal recessive 8; ATAXIA, RECESSIVE, OF BEAUCE; SYNE1-Related Autosomal Recessive Cerebellar Ataxia; SYNE1 Deficiency. Identifiers: Orphanet 88644, MedGen C1853116, MONDO:0012549, OMIM 610743.

Allele frequency attached by ClinVar (database versions not stated): gnomAD 0.00001; gnomAD exomes 0.00002; TOPMed 0.00002.
gnomAD v4.1: 10 of 1,613,846 alleles (0.00062%); highest among the groups gnomAD compares: Admixed American, 0.017%; no homozygotes.

Submissions (2):

Labcorp Genetics (formerly Invitae), Labcorp
Classification: Uncertain significance for Emery-Dreifuss muscular dystrophy 4, autosomal dominant; Autosomal recessive ataxia, Beauce type. Last evaluated: 2026-01-19. Review status: criteria provided, single submitter. Criteria: Invitae Variant Classification Sherloc (09022015). Collection method: clinical testing. Allele origin: germline.
Comment: This sequence change replaces proline, which is neutral and non-polar, with serine, which is neutral and polar, at codon 3021 of the SYNE1 protein (p.Pro3021Ser). This variant is not present in population databases (gnomAD no frequency). This variant has not been reported in the literature in individuals affected with SYNE1-related conditions. ClinVar contains an entry for this variant (Variation ID: 538387). An algorithm developed to predict the effect of missense changes on protein structure and function outputs the following: PolyPhen-2: "Benign". The serine amino acid residue is found in multiple mammalian species, which suggests that this missense change does not adversely affect protein function. In summary, the available evidence is currently insufficient to determine the role of this variant in disease. Therefore, it has been classified as a Variant of Uncertain Significance.

Blueprint Genetics
Classification: Uncertain significance. Last evaluated: 2020-12-10. Review status: criteria provided, single submitter. Criteria: ACMG Guidelines, 2015. Collection method: clinical testing. Allele origin: germline.